The following is an entry in ClinVar:

ClinVar aggregate classification (germline): Uncertain significance (1 of 4 stars; one submission).

Submission:

Women's Health and Genetics/Laboratory Corporation of America, LabCorp
Classification: Uncertain significance. Last evaluated: 2017-06-12. Review status: criteria provided, single submitter. Criteria: LabCorp Variant Classification Summary - May 2015. Collection method: clinical testing. Allele origin: germline.
Comment: Variant summary: The FBN1 c.5898_5912delAGATGGGAGGACCTG (p.Asp1967_Cys1971del) variant located in an EGF-like domain causes an in-frame deletion, involving a Cysteine. "The sulfhydryl group of cysteine is unique in its ability to participate in disulfide covalent cross-linkage. In fact, two thirds of fibrillin cysteine residues exist in the half-cystinyl form, suggesting their participation in intramolecular disulfide linkage. The cysteine residues in the EGF-like motif may also be necessary for intermolecular interactions with other fibrillin molecules or with other proteins (Dietz_1992)." The Cys 1971 is involved in disulfide bond with Cys1958, therefore, deletion of cysteine in this domain disrupt disulfide binding, effecting secondary or tertiary structure or possibly impairing fibrillin interactions. This variant is absent in 121066 control chromosomes (ExAC). The variant of interest has not, to our knowledge, been reported in affected individuals via publications and/or reputable databases/clinical diagnostic laboratories; nor evaluated for functional impact by in vivo/vitro studies. Taken together, this variant is classified as a "Variant of Uncertain Significance - Possibly Pathogenic."

NM_000138.5(FBN1):c.5898_5912del (p.Asp1967_Cys1971del)

Gene: FBN1 (fibrillin 1; minus strand). Cytogenetic location: 15q21.1.
Variant type: Deletion.
Coding change: c.5898_5912del on transcript NM_000138.5 (MANE Select); coding-DNA positions 5898 to 5912, 15 bases deleted (AGATGGGAGGACCTG).
Protein change: p.Asp1967_Cys1971del.
Molecular consequence: inframe deletion.
Genome position (GRCh38, 1-based): chr15:48,445,381-48,445,395, CAGGTCCTCCCATCT deleted on the plus strand (AGATGGGAGGACCTG on the coding strand, the reverse complement: FBN1 is on the minus strand). VCF-style (leftmost placement, unchanged base first): chr15-48445380-ACAGGTCCTCCCATCT-A. GRCh37 (hg19) VCF-style: chr15-48737577-ACAGGTCCTCCCATCT-A.
Other names: c.5898_5912delAGATGGGAGGACCTG (NM_000138.4).
Identifiers: ClinVar variation 495631 (VCV000495631.1), dbSNP rs1555395744, ClinGen allele CA658683890.